The following is an entry in ClinVar:

ClinVar aggregate classification (germline): Uncertain significance (1 of 4 stars; one submission).

Conditions:
Charcot-Marie-Tooth Neuropathy X. Identifiers: MedGen CN118851.

Submission:

Labcorp Genetics (formerly Invitae), Labcorp
Classification: Uncertain significance for Charcot-Marie-Tooth Neuropathy X. Last evaluated: 2023-06-21. Review status: criteria provided, single submitter. Criteria: Invitae Variant Classification Sherloc (09022015). Collection method: clinical testing. Allele origin: germline.
Comment: This variant disrupts the p.Gln80 amino acid residue in GJB1. Other variant(s) that disrupt this residue have been determined to be pathogenic (PMID: 7580242, 10737979, 17353473; Invitae). This suggests that this residue is clinically significant, and that variants that disrupt this residue are likely to be disease-causing. In summary, the available evidence is currently insufficient to determine the role of this variant in disease. Therefore, it has been classified as a Variant of Uncertain Significance. This sequence change replaces glutamine, which is neutral and polar, with histidine, which is basic and polar, at codon 80 of the GJB1 protein (p.Gln80His). This variant is not present in population databases (gnomAD no frequency). This variant has not been reported in the literature in individuals affected with GJB1-related conditions. ClinVar contains an entry for this variant (Variation ID: 2124501). Advanced modeling of protein sequence and biophysical properties (such as structural, functional, and spatial information, amino acid conservation, physicochemical variation, residue mobility, and thermodynamic stability) performed at Invitae indicates that this missense variant is expected to disrupt GJB1 protein function.

Literature cited by the submitters: PubMed 7580242; PubMed 10737979; PubMed 17353473.

NM_000166.6(GJB1):c.240G>T (p.Gln80His)

Gene: GJB1 (gap junction protein beta 1; plus strand). Cytogenetic location: Xq13.1.
Variant type: single nucleotide variant.
Coding change: c.240G>T on transcript NM_000166.6 (MANE Select); coding-DNA position 240, G replaced by T.
Protein change: p.Gln80His; replaces glutamine 80 with histidine.
Molecular consequence: missense variant.
Genome position (GRCh38, 1-based): chrX:71,223,947, G>T. VCF-style: chrX-71223947-G-T. GRCh37 (hg19) VCF-style: chrX-70443797-G-T.
Other names: c.240G>T, p.Gln80His (NM_001097642.3); short protein forms Q80H.
Identifiers: ClinVar variation 2124501 (VCV002124501.4), dbSNP rs2519798119, ClinGen allele CA413501626.